The following is an entry in ClinVar:

ClinVar aggregate classification (germline): Conflicting classifications of pathogenicity. Review status: criteria provided, conflicting classifications (1 of 4 stars). 3 submissions from 3 submitters: Likely pathogenic (1); Uncertain significance (2). Last evaluated 2026-06-18.

Conditions:
Autosomal dominant non-syndromic intellectual disability. Identifiers: Orphanet 178469, MedGen C5680502, MONDO:0015802.

Submissions (3):

GeneDx
Classification: Uncertain significance. Last evaluated: 2026-06-18. Review status: criteria provided, single submitter. Criteria: GeneDx Variant Classification Process June 2021. Collection method: clinical testing. Allele origin: germline.
Comment: Frameshift variant predicted to result in protein truncation or nonsense mediated decay in a gene for which loss of function is a known mechanism of disease; Has not been previously published as pathogenic or benign to our knowledge

Department of Human Genetics, University Hospital Bern, Inselspital
Classification: Likely pathogenic for Autosomal dominant non-syndromic intellectual disability. Last evaluated: 2026-05-03. Review status: criteria provided, single submitter. Criteria: ACMG Guidelines, 2015. Collection method: research. Allele origin: inherited. Affected: yes.
Comment: The variant leads to an early stop codon likely resulting in nonsense-mediated mRNA decay. The variant was identified in two siblings and their father and is reported 10x in gnomAD v4.1.0. In summary, criteria PVS1 and PP1_supporting were used.

Revvity Omics, Revvity
Classification: Uncertain significance. Last evaluated: 2021-06-03. Review status: criteria provided, single submitter. Criteria: ACMG Guidelines, 2015. Collection method: clinical testing. Allele origin: germline.

Literature cited by the submitters: PubMed 42509346 (cited by Department of Human Genetics, University Hospital Bern, Inselspital).

NM_001256627.2(BRSK2):c.1063dup (p.Arg355fs)

Gene: BRSK2 (BR serine/threonine kinase 2; plus strand). Cytogenetic location: 11p15.5.
Variant type: Duplication.
Coding change: c.1063dup on transcript NM_001256627.2 (MANE Select); coding-DNA position 1063, one base duplicated (C; older notation c.1063dupC).
Protein change: p.Arg355fs; shifts the reading frame from arginine 355.
Molecular consequence: frameshift variant. On other transcripts: non-coding transcript variant (1).
Genome position (GRCh38, 1-based): chr11:1,445,656, C duplicated; the last of 7 consecutive C bases (chr11:1,445,650-1,445,656); duplicating any one gives the same sequence. VCF-style (leftmost placement, unchanged base first): chr11-1445649-G-GC. GRCh37 (hg19) VCF-style: chr11-1466879-G-GC.
Other names: c.1063dup, p.Arg355fs (NM_001256629.2, NM_003957.4); c.1201dup, p.Arg401fs (NM_001256630.1); c.883dup, p.Arg295fs (NM_001282218.2); short protein forms R295fs, R355fs, R401fs.
Identifiers: ClinVar variation 2688684 (VCV002688684.5), dbSNP rs779380593, ClinGen allele CA5810789.